The following is an entry in ClinVar:

NM_020911.2(PLXNA4):c.267C>T (p.Asp89=)

Gene: PLXNA4 (plexin A4; minus strand). Cytogenetic location: 7q32.3.
Variant type: single nucleotide variant.
Coding change: c.267C>T on transcript NM_020911.2 (MANE Select); coding-DNA position 267, C replaced by T.
Protein change: p.Asp89=; no amino-acid change (aspartic acid 89 retained).
Molecular consequence: synonymous variant.
Genome position (GRCh38, 1-based): chr7:132,508,427, G>A on the plus strand (C>T on the coding strand, the complement: PLXNA4 is on the minus strand). VCF-style: chr7-132508427-G-A. GRCh37 (hg19) VCF-style: chr7-132193186-G-A.
Other names: c.267C>T, p.Asp89= (NM_001105543.2, NM_001393897.1, NM_181775.4).
Identifiers: ClinVar variation 3045579 (VCV003045579.2), dbSNP rs139250180, ClinGen allele CA4490522.

ClinVar aggregate classification (germline): Likely benign (0 of 4 stars; one submission).

Conditions:
PLXNA4-related disorder. Also called: PLXNA4-related condition.

Allele frequency attached by ClinVar (database versions not stated): 1000 Genomes Project 30x 0.00031; 1000 Genomes Project 0.00040; ExAC 0.00066; gnomAD exomes 0.00081; ESP Exome Variant Server 0.00085; TOPMed 0.00085.
gnomAD v4.1: 1,308 of 1,614,166 alleles (0.081%); highest among the groups gnomAD compares: Non-Finnish European, 0.086%; no homozygotes.

Submission:

PreventionGenetics, part of Exact Sciences
Classification: Likely benign for PLXNA4-related condition. Last evaluated: 2021-07-13. Review status: no assertion criteria provided. Collection method: clinical testing. Allele origin: germline.
Comment: This variant is classified as likely benign based on ACMG/AMP sequence variant interpretation guidelines (Richards et al. 2015 PMID: 25741868, with internal and published modifications).